The following is an entry in ClinVar:

ClinVar aggregate classification (germline): Conflicting classifications of pathogenicity. Review status: criteria provided, conflicting classifications (1 of 4 stars). 6 submissions from 6 submitters: Uncertain significance (1); Benign (3); Likely benign (2). Last evaluated 2026-01-28.

Conditions:
Spastic paraplegia. Identifiers: MedGen C0037772, HP:0001258.
Inborn genetic diseases. Identifiers: MedGen C0950123, MeSH D030342.
Intellectual disability. Also called: Intellectual functioning disability; Intellectual developmental disorder; intellectual disabilities. Identifiers: MedGen C3714756, MeSH D008607, MONDO:0001071, HP:0001249.

Allele frequency attached by ClinVar (database versions not stated): gnomAD exomes 0.00033 and 0.00015; 1000 Genomes Project 30x 0.00312; TOPMed 0.00212; ExAC 0.00048; gnomAD 0.00156; 1000 Genomes Project 0.00212; ESP Exome Variant Server 0.00180.
gnomAD v4.1: 354 of 1,209,889 alleles (0.029%); highest among the groups gnomAD compares: African/African-American, 0.44%; 2 homozygotes.

Submissions (6):

Labcorp Genetics (formerly Invitae), Labcorp
Classification: Likely benign for Spastic paraplegia. Last evaluated: 2026-01-28. Review status: criteria provided, single submitter. Criteria: Invitae Variant Classification Sherloc (09022015). Collection method: clinical testing. Allele origin: germline.

Mayo Clinic Laboratories, Mayo Clinic
Classification: Benign. Last evaluated: 2024-09-23. Review status: criteria provided, single submitter. Criteria: ACMG Guidelines, 2015. Collection method: clinical testing. Allele origin: germline. Observed: 2 variant alleles.
Comment: BS1, BS2

GeneDx
Classification: Benign. Last evaluated: 2021-04-06. Review status: criteria provided, single submitter. Criteria: GeneDx Variant Classification Process June 2021. Collection method: clinical testing. Allele origin: germline. Affected: yes.

Cambridge Genomics Laboratory, East Genomic Laboratory Hub, NHS Genomic Medicine Service
Classification: Likely benign for Intellectual disability. Last evaluated: 2020-03-27. Review status: criteria provided, single submitter. Criteria: ACGS Best Practice Guidelines for Variant Classification in Rare Disease 2020. Collection method: clinical testing. Allele origin: germline. Affected: yes. Observed: 1 variant allele.

Ambry Genetics
Classification: Benign for Inborn genetic diseases. Last evaluated: 2018-09-29. Review status: criteria provided, single submitter. Criteria: Ambry Variant Classification Scheme 2023. Collection method: clinical testing. Allele origin: germline.

Genetic Services Laboratory, University of Chicago
Classification: Uncertain significance. Last evaluated: 2014-10-08. Review status: criteria provided, single submitter. Criteria: ACMG Guidelines, 2015. Collection method: clinical testing. Allele origin: germline.

NM_006517.5(SLC16A2):c.949C>T (p.Arg317Cys)

Gene: SLC16A2 (solute carrier family 16 member 2; plus strand). Cytogenetic location: Xq13.2.
Variant type: single nucleotide variant.
Coding change: c.949C>T on transcript NM_006517.5 (MANE Select); coding-DNA position 949, C replaced by T.
Protein change: p.Arg317Cys; replaces arginine 317 with cysteine.
Molecular consequence: missense variant.
Genome position (GRCh38, 1-based): chrX:74,524,732, C>T. VCF-style: chrX-74524732-C-T. GRCh37 (hg19) VCF-style: chrX-73744567-C-T.
Other names: p.Arg317Cys; short protein forms R317C.
Identifiers: ClinVar variation 212187 (VCV000212187.22), dbSNP rs144755294, ClinGen allele CA209359.